The following is an entry in ClinVar:

NM_000400.4(ERCC2):c.1855A>G (p.Ile619Val)

Gene: ERCC2 (ERCC excision repair 2, TFIIH core complex helicase subunit; minus strand). Cytogenetic location: 19q13.32.
Variant type: single nucleotide variant.
Coding change: c.1855A>G on transcript NM_000400.4 (MANE Select); coding-DNA position 1855, A replaced by G.
Protein change: p.Ile619Val; replaces isoleucine 619 with valine.
Molecular consequence: missense variant.
Genome position (GRCh38, 1-based): chr19:45,352,793, T>C on the plus strand (A>G on the coding strand, the complement: ERCC2 is on the minus strand). VCF-style: chr19-45352793-T-C. GRCh37 (hg19) VCF-style: chr19-45856051-T-C.
Other names: short protein forms I619V.
Identifiers: ClinVar variation 1781391 (VCV001781391.5), dbSNP rs769584706, ClinGen allele CA9513023.
Genomic context (GRCh38, chr19:45,352,793, plus strand): 5'-CAGAGCTACTCACCTTGAGAATGCGGCTCTGTGTGTAGACGTAGGGGACGCCAAACATGA[T>C]GACGGCCCGCCCGTAGTGGTGCACTGGTGGGCAGAGGAGAGGGGGCGAGGGGGGTTACAA-3'
Protein context (NP_000391.1, residues 609-629): DFVHHYGRAV[Ile619Val]MFGVPYVYTQ

ClinVar aggregate classification (germline): Uncertain significance. Review status: criteria provided, multiple submitters, no conflicts (2 of 4 stars). 2 submissions from 2 submitters: Uncertain significance (2). Last evaluated 2024-09-09.

Conditions:
Inborn genetic diseases. Identifiers: MedGen C0950123, MeSH D030342.

Allele frequency attached by ClinVar (database versions not stated): gnomAD 0.00001; gnomAD exomes 0.00001; ExAC 0.00002; TOPMed 0.00002.
gnomAD v4.1: 14 of 1,612,938 alleles (0.00087%); highest among the groups gnomAD compares: Middle Eastern, 0.033%; no homozygotes.

Submissions (2):

Labcorp Genetics (formerly Invitae), Labcorp
Classification: Uncertain significance. Last evaluated: 2024-09-09. Review status: criteria provided, single submitter. Criteria: Invitae Variant Classification Sherloc (09022015). Collection method: clinical testing. Allele origin: germline.
Comment: This sequence change replaces isoleucine, which is neutral and non-polar, with valine, which is neutral and non-polar, at codon 619 of the ERCC2 protein (p.Ile619Val). This variant is present in population databases (rs769584706, gnomAD 0.03%). This variant has not been reported in the literature in individuals affected with ERCC2-related conditions. ClinVar contains an entry for this variant (Variation ID: 1781391). Invitae Evidence Modeling of protein sequence and biophysical properties (such as structural, functional, and spatial information, amino acid conservation, physicochemical variation, residue mobility, and thermodynamic stability) indicates that this missense variant is not expected to disrupt ERCC2 protein function with a negative predictive value of 80%. In summary, the available evidence is currently insufficient to determine the role of this variant in disease. Therefore, it has been classified as a Variant of Uncertain Significance.

Ambry Genetics
Classification: Uncertain significance for Inborn genetic diseases. Last evaluated: 2024-05-04. Review status: criteria provided, single submitter. Criteria: Ambry Variant Classification Scheme 2023. Collection method: clinical testing. Allele origin: germline.
Comment: The p.I619V variant (also known as c.1855A>G), located in coding exon 20 of the ERCC2 gene, results from an A to G substitution at nucleotide position 1855. The isoleucine at codon 619 is replaced by valine, an amino acid with highly similar properties. This amino acid position is conserved. In addition, the in silico prediction for this alteration is inconclusive. Since supporting evidence is limited at this time, the clinical significance of this alteration remains unclear.